The following is an entry in ClinVar:

ClinVar aggregate classification (germline): Likely pathogenic (1 of 4 stars; one submission).

Conditions:
Intellectual developmental disorder with microcephaly and with or without ocular malformations or hypogonadotropic hypogonadism. Also called: Intellectual disability, autosomal dominant 27; Coffin-Siris Syndrome 9. Identifiers: Orphanet 1465, MedGen C4014528, MONDO:0014376, OMIM 615866.

Submission:

SIB Swiss Institute of Bioinformatics
Classification: Likely pathogenic for Intellectual developmental disorder with microcephaly and with or without ocular malformations or hypogonadotropic hypogonadism. Last evaluated: 2023-03-09. Review status: criteria provided, single submitter. Criteria: ACMG Guidelines, 2015. Collection method: curation. Allele origin: unknown.
Comment: This variant is interpreted as likely pathogenic for Intellectual developmental disorder with microcephaly and with or without ocular malformations or hypogonadotropic hypogonadism, autosomal dominant. The following ACMG Tag(s) were applied: Absent from controls (or at extremely low frequency if recessive) in Exome Sequencing Project, 1000 Genomes Project, or Exome Aggregation Consortium (PM2); De novo paternity and maternity not confirmed (PM6 upgraded to strong; 2 de novo occurrences); Located in a mutational hot spot and/or critical and well-established functional domain (e.g., active site of an enzyme) without benign variation (PM1); Multiple lines of computational evidence support a deleterious effect on the gene or gene product (PP3).

Literature cited by the submitters: PubMed 35341651.

NM_003108.4(SOX11):c.250G>A (p.Gly84Ser)

Gene: SOX11 (SRY-box transcription factor 11; plus strand). Cytogenetic location: 2p25.2.
Variant type: single nucleotide variant.
Coding change: c.250G>A on transcript NM_003108.4 (MANE Select); coding-DNA position 250, G replaced by A.
Protein change: p.Gly84Ser; replaces glycine 84 with serine.
Molecular consequence: missense variant.
Genome position (GRCh38, 1-based): chr2:5,692,971, G>A. VCF-style: chr2-5692971-G-A. GRCh37 (hg19) VCF-style: chr2-5833103-G-A.
Other names: short protein forms G84S.
Identifiers: ClinVar variation 2443017 (VCV002443017.1), dbSNP rs2465087455, ClinGen allele CA345866287.
Genomic context (GRCh38, chr2:5,692,971, plus strand): 5'-CGCAGGAAGATCATGGAGCAGTCTCCGGACATGCACAACGCCGAGATCTCCAAGAGGCTG[G>A]GCAAGCGCTGGAAAATGCTGAAGGACAGCGAGAAGATCCCGTTCATCCGGGAGGCGGAGC-3'
Protein context (NP_003099.1, residues 74-94): MHNAEISKRL[Gly84Ser]KRWKMLKDSE